The following is an entry in ClinVar:

NM_000660.7(TGFB1):c.482A>C (p.Lys161Thr)

Gene: TGFB1 (transforming growth factor beta 1; minus strand). Cytogenetic location: 19q13.2.
Variant type: single nucleotide variant.
Coding change: c.482A>C on transcript NM_000660.7 (MANE Select); coding-DNA position 482, A replaced by C.
Protein change: p.Lys161Thr; replaces lysine 161 with threonine.
Molecular consequence: missense variant.
Genome position (GRCh38, 1-based): chr19:41,348,329, T>G on the plus strand (A>C on the coding strand, the complement: TGFB1 is on the minus strand). VCF-style: chr19-41348329-T-G. GRCh37 (hg19) VCF-style: chr19-41854234-T-G.
Other names: short protein forms K161T.
Identifiers: ClinVar variation 4769367 (VCV004769367.1).

ClinVar aggregate classification (germline): Uncertain significance (1 of 4 stars; one submission).

gnomAD v4.1: 1 of 1,613,506 alleles (0.000062%); highest among the groups gnomAD compares: Middle Eastern, 0.017%; no homozygotes.

Submission:

Labcorp Genetics (formerly Invitae), Labcorp
Classification: Uncertain significance. Last evaluated: 2025-02-27. Review status: criteria provided, single submitter. Criteria: Invitae Variant Classification Sherloc (09022015). Collection method: clinical testing. Allele origin: germline.
Comment: This sequence change replaces lysine, which is basic and polar, with threonine, which is neutral and polar, at codon 161 of the TGFB1 protein (p.Lys161Thr). This variant is not present in population databases (gnomAD no frequency). This variant has not been reported in the literature in individuals affected with TGFB1-related conditions. Invitae Evidence Modeling of protein sequence and biophysical properties (such as structural, functional, and spatial information, amino acid conservation, physicochemical variation, residue mobility, and thermodynamic stability) indicates that this missense variant is not expected to disrupt TGFB1 protein function with a negative predictive value of 80%. In summary, the available evidence is currently insufficient to determine the role of this variant in disease. Therefore, it has been classified as a Variant of Uncertain Significance.